The following is an entry in ClinVar:

NM_001385682.1(MAP4):c.292+9T>G

Gene: MAP4 (microtubule associated protein 4; minus strand). Cytogenetic location: 3p21.31.
Variant type: single nucleotide variant.
Coding change: c.292+9T>G on transcript NM_001385682.1 (MANE Select); 9 bases into the intron after coding-DNA position 292, T replaced by G.
Molecular consequence: intron variant.
Genome position (GRCh38, 1-based): chr3:47,977,856, A>C on the plus strand (T>G on the coding strand, the complement: MAP4 is on the minus strand). VCF-style: chr3-47977856-A-C. GRCh37 (hg19) VCF-style: chr3-48019346-A-C.
Other names: NC_000003.11:g.48019346A>C; c.-30+9T>G (NM_001384862.1, NM_001384845.1, NM_001384867.1 and 1 more transcripts); c.292+9T>G (NM_001384848.1, NM_001384807.1, NM_001384842.1 and 95 more transcripts); c.223+20782T>G (NM_001384680.1, NM_001384817.1, NM_001384753.1 and 17 more transcripts); c.343+9T>G (NM_001384789.1, NM_001384793.1, NM_001384797.1 and 18 more transcripts).
Identifiers: ClinVar variation 790262 (VCV000790262.8), dbSNP rs182500657, ClinGen allele CA2371713.
Genomic context (GRCh38, chr3:47,977,856, plus strand): 5'-AGGAGATTATCAAGGTGTTCATTGTAAGTGCATCACCTACACATTTGGGGAATCCTGGGA[A>C]TCACTTACCTGTAGTATCGCTCCCTTCTACTCCATGACCACCATTGGCTAGGAGTGTTGG-3'

ClinVar aggregate classification (germline): Benign. Review status: criteria provided, multiple submitters, no conflicts (2 of 4 stars). 3 submissions from 3 submitters: Benign (2). 1 of the submissions does not count toward it. Last evaluated 2019-12-31.

Conditions:
MAP4-related disorder. Also called: MAP4-related condition.

Allele frequency attached by ClinVar (database versions not stated): 1000 Genomes Project 0.00140; 1000 Genomes Project 30x 0.00141; ExAC 0.00279; gnomAD exomes 0.00298; TOPMed 0.00374; gnomAD 0.00395 and 0.00403; ESP Exome Variant Server 0.00469.
gnomAD v4.1: 8,770 of 1,601,964 alleles (0.55%); highest among the groups gnomAD compares: Non-Finnish European, 0.68%; 44 homozygotes.

Submissions (12):

Labcorp Genetics (formerly Invitae), Labcorp
Classification: Benign. Last evaluated: 2019-12-31. Review status: criteria provided, single submitter. Criteria: Invitae Variant Classification Sherloc (09022015). Collection method: clinical testing. Allele origin: germline.

Breakthrough Genomics
Classification: Benign. Review status: criteria provided, single submitter. Criteria: ACMG Guidelines, 2015. Collection method: not provided. Allele origin: germline. Inheritance: Unknown mechanism. Affected: yes.

PreventionGenetics, part of Exact Sciences
Classification: Likely benign for MAP4-related condition. Last evaluated: 2019-05-13. Review status: no assertion criteria provided. Collection method: clinical testing. Allele origin: germline. Not counted in ClinVar's aggregate classification.
Comment: This variant is classified as likely benign based on ACMG/AMP sequence variant interpretation guidelines (Richards et al. 2015 PMID: 25741868, with internal and published modifications).

Dr. Peter K. Rogan Lab, Western University
No classification provided (evidence only). Condition: Clear cell carcinoma of kidney. Review status: no classification provided. Collection method: in vitro. Allele origin: not applicable. Functional consequence: skipped exon, retained intron. Not counted in ClinVar's aggregate classification.

Dr. Peter K. Rogan Lab, Western University
No classification provided (evidence only). Condition: Familial cancer of breast. Review status: no classification provided. Collection method: in vitro. Allele origin: not applicable. Functional consequence: skipped exon. Not counted in ClinVar's aggregate classification.

Dr. Peter K. Rogan Lab, Western University
No classification provided (evidence only). Condition: Acute myeloid leukemia. Review status: no classification provided. Collection method: in vitro. Allele origin: not applicable. Functional consequence: retained intron. Not counted in ClinVar's aggregate classification.

Dr. Peter K. Rogan Lab, Western University
No classification provided (evidence only). Condition: Acute myeloid leukemia. Review status: no classification provided. Collection method: in vitro. Allele origin: not applicable. Functional consequence: retained intron. Not counted in ClinVar's aggregate classification.

Dr. Peter K. Rogan Lab, Western University
No classification provided (evidence only). Condition: Acute myeloid leukemia. Review status: no classification provided. Collection method: in vitro. Allele origin: not applicable. Functional consequence: retained intron. Not counted in ClinVar's aggregate classification.

Dr. Peter K. Rogan Lab, Western University
No classification provided (evidence only). Condition: Cervical cancer. Review status: no classification provided. Collection method: in vitro. Allele origin: not applicable. Functional consequence: retained intron. Not counted in ClinVar's aggregate classification.

Dr. Peter K. Rogan Lab, Western University
No classification provided (evidence only). Condition: Malignant lymphoma, large B-cell, diffuse. Review status: no classification provided. Collection method: in vitro. Allele origin: not applicable. Functional consequence: retained intron. Not counted in ClinVar's aggregate classification.

Dr. Peter K. Rogan Lab, Western University
No classification provided (evidence only). Condition: Ovarian serous cystadenocarcinoma. Review status: no classification provided. Collection method: in vitro. Allele origin: not applicable. Functional consequence: retained intron. Not counted in ClinVar's aggregate classification.

Dr. Peter K. Rogan Lab, Western University
No classification provided (evidence only). Condition: Malignant tumor of esophagus. Review status: no classification provided. Collection method: in vitro. Allele origin: not applicable. Functional consequence: retained intron. Not counted in ClinVar's aggregate classification.